The following is an entry in ClinVar:

NM_004863.4(SPTLC2):c.1303+233C>G

Gene: SPTLC2 (serine palmitoyltransferase long chain base subunit 2; minus strand). Cytogenetic location: 14q24.3.
Variant type: single nucleotide variant.
Coding change: c.1303+233C>G on transcript NM_004863.4 (MANE Select); 233 bases into the intron after coding-DNA position 1303, C replaced by G.
Molecular consequence: intron variant.
Genome position (GRCh38, 1-based): chr14:77,551,863, G>C on the plus strand (C>G on the coding strand, the complement: SPTLC2 is on the minus strand). VCF-style: chr14-77551863-G-C. GRCh37 (hg19) VCF-style: chr14-78018206-G-C.
Identifiers: ClinVar variation 674402 (VCV000674402.1), dbSNP rs113909970, ClinGen allele CA263844693.

ClinVar aggregate classification (germline): Benign (1 of 4 stars; one submission).

Allele frequency attached by ClinVar (database versions not stated): 1000 Genomes Project 0.02416; 1000 Genomes Project 30x 0.02452; gnomAD 0.02858 and 0.03075; TOPMed 0.03257.
gnomAD v4.1: 4,316 of 152,276 alleles (2.8%); highest among the groups gnomAD compares: African/African-American, 9.9%; 221 homozygotes.

Submission:

GeneDx
Classification: Benign. Last evaluated: 2018-06-16. Review status: criteria provided, single submitter. Criteria: GeneDx Variant Classification (06012015). Collection method: clinical testing. Allele origin: germline. Affected: yes.
Comment: This variant is considered likely benign or benign based on one or more of the following criteria: it is a conservative change, it occurs at a poorly conserved position in the protein, it is predicted to be benign by multiple in silico algorithms, and/or has population frequency not consistent with disease.